The following is an entry in ClinVar:

NM_000535.7(PMS2):c.168A>G (p.Leu56=)

Gene: PMS2 (PMS1 homolog 2, mismatch repair system component; minus strand). Cytogenetic location: 7p22.1.
Variant type: single nucleotide variant.
Coding change: c.168A>G on transcript NM_000535.7 (MANE Select); coding-DNA position 168, A replaced by G.
Protein change: p.Leu56=; no amino-acid change (leucine 56 retained).
Molecular consequence: synonymous variant. On other transcripts: 5 prime UTR variant (11), non-coding transcript variant (1).
Genome position (GRCh38, 1-based): chr7:6,004,054, T>C on the plus strand (A>G on the coding strand, the complement: PMS2 is on the minus strand). VCF-style: chr7-6004054-T-C. GRCh37 (hg19) VCF-style: chr7-6043685-T-C.
Other names: c.-238A>G (NM_001322003.2, NM_001322004.2, NM_001322005.2 and 3 more transcripts); c.168A>G, p.Leu56= (NM_001322006.2, NM_001322014.2); c.-48A>G (NM_001322007.2, NM_001322008.2); c.-717A>G (NM_001322011.2, NM_001322012.2); c.-317A>G (NM_001322015.2); c.168A>G (NM_000535.5).
Identifiers: ClinVar variation 1141065 (VCV001141065.12), dbSNP rs2128830767, ClinGen allele CA453648732.
Genomic context (GRCh38, chr7:6,004,054, plus strand): 5'-TTCTACCCCACATCCATTGTCTGAAACTTCAATAAGATCCACTCCATAGTCCTTAAGCTT[T>C]AGATCTAGAAAGTTTAAAATATTTACATATTTATTAAAAACGGACCCATGCTATCAGTTT-3'
Protein context (NP_000526.2, residues 46-66): SLDAGATNID[Leu56=]KLKDYGVDLI

ClinVar aggregate classification (germline): Benign/Likely benign. Review status: criteria provided, multiple submitters, no conflicts (2 of 4 stars). 4 submissions from 4 submitters: Benign (1); Likely benign (3). Last evaluated 2025-08-08.

Conditions:
Hereditary cancer-predisposing syndrome. Also called: Hereditary Cancer Syndrome; Neoplastic Syndromes, Hereditary; Hereditary neoplastic syndrome; Tumor predisposition. Identifiers: Orphanet 140162, MedGen C0027672, MeSH D009386, MONDO:0015356.
Lynch syndrome. Identifiers: Orphanet 144, MedGen C4552100, MONDO:0005835. Disease mechanism: loss of function.
Lynch syndrome 4 (LYNCH4). Also called: Colorectal cancer, hereditary nonpolyposis, type 4; Hereditary non-polyposis colorectal cancer, type 4. Identifiers: Orphanet 144, MedGen C1838333, MONDO:0013699, OMIM 614337. Disease mechanism: loss of function.
Hereditary nonpolyposis colorectal neoplasms. Identifiers: MedGen C0009405, MeSH D003123.

Submissions (4):

Ambry Genetics
Classification: Likely benign for Hereditary cancer-predisposing syndrome. Last evaluated: 2025-08-08. Review status: criteria provided, single submitter. Criteria: Ambry Variant Classification Scheme 2023. Collection method: clinical testing. Allele origin: germline.

Myriad Genetics, Inc.
Classification: Benign for Lynch syndrome 4. Last evaluated: 2025-01-23. Review status: criteria provided, single submitter. Criteria: Myriad Autosomal Dominant, Autosomal Recessive and X-Linked Classification Criteria (2023). Collection method: clinical testing. Allele origin: unknown.
Comment: This variant is considered benign. This variant is a silent/synonymous amino acid change and it is not expected to impact splicing.

Labcorp Genetics (formerly Invitae), Labcorp
Classification: Likely benign for Hereditary nonpolyposis colorectal neoplasms. Last evaluated: 2024-10-24. Review status: criteria provided, single submitter. Criteria: Invitae Variant Classification Sherloc (09022015). Collection method: clinical testing. Allele origin: germline.

All of Us Research Program, National Institutes of Health
Classification: Likely benign for Lynch syndrome. Last evaluated: 2023-08-08. Review status: criteria provided, single submitter. Criteria: ACMG Guidelines, 2015. Collection method: clinical testing. Allele origin: germline. Inheritance: Autosomal dominant inheritance. Observed: 2 variant alleles, 2 heterozygotes.
Comment: This study involves interpretation of variants in research participants for the purpose of population health screening. Participant phenotype was not available at the time of variant classification. Additional details can be found in publication PMID: 35346344, PMCID: PMC8962531